The following is an entry in ClinVar:

ClinVar aggregate classification (germline): Uncertain significance (1 of 4 stars; one submission).

gnomAD v4.1: 2 of 1,614,250 alleles (0.00012%); highest among the groups gnomAD compares: Non-Finnish European, 0.00017%; no homozygotes.

Submission:

Dasa
Classification: Uncertain significance. Last evaluated: 2025-02-11. Review status: criteria provided, single submitter. Criteria: DASA Assertion Criteria. Collection method: clinical testing. Allele origin: germline.
Comment: NM_021830.5(TWNK):c.106C>T (p.Pro36Ser) is a missense variant that results in the substitution of proline with serine. This variant is rare in population databases. Computational prediction algorithms are consistent with a benign effect. The currently available literature and clinical evidence are not sufficient to establish a definitive association between this variant and the reported condition. Therefore, this variant is classified as a variant of uncertain significance.

NM_021830.5(TWNK):c.106C>T (p.Pro36Ser)

Gene: TWNK (twinkle mtDNA helicase; plus strand). Cytogenetic location: 10q24.31.
Variant type: single nucleotide variant.
Coding change: c.106C>T on transcript NM_021830.5 (MANE Select); coding-DNA position 106, C replaced by T.
Protein change: p.Pro36Ser; replaces proline 36 with serine.
Molecular consequence: missense variant. On other transcripts: non-coding transcript variant (4), intron variant (3).
Genome position (GRCh38, 1-based): chr10:100,988,316, C>T. VCF-style: chr10-100988316-C-T. GRCh37 (hg19) VCF-style: chr10-102748073-C-T.
Other names: c.106C>T, p.Pro36Ser (NM_001163812.2); c.-120+703C>T (NM_001163814.2, NM_001163813.2); c.-58+703C>T (NM_001368275.1); short protein forms P36S.
Identifiers: ClinVar variation 4882508 (VCV004882508.2).